The following is an entry in ClinVar:

NM_004958.4(MTOR):c.1806T>G (p.Phe602Leu)

Gene: MTOR (mechanistic target of rapamycin kinase; minus strand). Cytogenetic location: 1p36.22.
Variant type: single nucleotide variant.
Coding change: c.1806T>G on transcript NM_004958.4 (MANE Select); coding-DNA position 1806, T replaced by G.
Protein change: p.Phe602Leu; replaces phenylalanine 602 with leucine.
Molecular consequence: missense variant.
Genome position (GRCh38, 1-based): chr1:11,238,598, A>C on the plus strand (T>G on the coding strand, the complement: MTOR is on the minus strand). VCF-style: chr1-11238598-A-C. GRCh37 (hg19) VCF-style: chr1-11298655-A-C.
Other names: c.1806T>G, p.Phe602Leu (NM_001386500.1); c.558T>G, p.Phe186Leu (NM_001386501.1); short protein forms F602L, F186L.
Identifiers: ClinVar variation 1386985 (VCV001386985.6), dbSNP rs985014515, ClinGen allele CA338390577.

ClinVar aggregate classification (germline): Uncertain significance (1 of 4 stars; one submission).

Submission:

Labcorp Genetics (formerly Invitae), Labcorp
Classification: Uncertain significance. Last evaluated: 2021-10-14. Review status: criteria provided, single submitter. Criteria: Invitae Variant Classification Sherloc (09022015). Collection method: clinical testing. Allele origin: germline.
Comment: This variant is not present in population databases (ExAC no frequency). This sequence change replaces phenylalanine with leucine at codon 602 of the MTOR protein (p.Phe602Leu). The phenylalanine residue is highly conserved and there is a small physicochemical difference between phenylalanine and leucine. This variant has not been reported in the literature in individuals affected with MTOR-related conditions. Advanced modeling of protein sequence and biophysical properties (such as structural, functional, and spatial information, amino acid conservation, physicochemical variation, residue mobility, and thermodynamic stability) performed at Invitae indicates that this missense variant is not expected to disrupt MTOR protein function. In summary, the available evidence is currently insufficient to determine the role of this variant in disease. Therefore, it has been classified as a Variant of Uncertain Significance.